The following is an entry in ClinVar:

ClinVar aggregate classification (germline): Likely benign. Review status: criteria provided, multiple submitters, no conflicts (2 of 4 stars). 5 submissions from 5 submitters: Likely benign (4). 1 of the submissions does not count toward it. Last evaluated 2025-06-23.

Conditions:
SDHAF1-related disorder. Also called: SDHAF1-related condition.

Allele frequency attached by ClinVar (database versions not stated): gnomAD 0.00005; ExAC 0.00006; TOPMed 0.00006; gnomAD exomes 0.00007 and 0.00015.
gnomAD v4.1: 210 of 1,539,040 alleles (0.014%); highest among the groups gnomAD compares: Non-Finnish European, 0.018%; 1 homozygote.

Submissions (5):

Labcorp Genetics (formerly Invitae), Labcorp
Classification: Likely benign. Last evaluated: 2025-06-23. Review status: criteria provided, single submitter. Criteria: Invitae Variant Classification Sherloc (09022015). Collection method: clinical testing. Allele origin: germline.

Blueprint Genetics
Classification: Likely benign. Last evaluated: 2023-10-05. Review status: criteria provided, single submitter. Criteria: ACMG Guidelines, 2015. Collection method: clinical testing. Allele origin: germline.

CeGaT Center for Human Genetics Tuebingen
Classification: Likely benign. Last evaluated: 2021-06-01. Review status: criteria provided, single submitter. Criteria: CeGaT Center For Human Genetics Tuebingen Variant Classification Criteria Version 2. Collection method: clinical testing. Allele origin: germline. Affected: yes. Observed: 1 variant allele.

GeneDx
Classification: Likely benign. Last evaluated: 2020-11-03. Review status: criteria provided, single submitter. Criteria: GeneDx Variant Classification Process June 2021. Collection method: clinical testing. Allele origin: germline. Affected: yes.

PreventionGenetics, part of Exact Sciences
Classification: Likely benign for SDHAF1-related condition. Last evaluated: 2020-05-11. Review status: no assertion criteria provided. Collection method: clinical testing. Allele origin: germline. Not counted in ClinVar's aggregate classification.
Comment: This variant is classified as likely benign based on ACMG/AMP sequence variant interpretation guidelines (Richards et al. 2015 PMID: 25741868, with internal and published modifications).

NM_001042631.3(SDHAF1):c.225C>T (p.Phe75=)

Gene: SDHAF1 (succinate dehydrogenase complex assembly factor 1; plus strand). Cytogenetic location: 19q13.12.
Variant type: single nucleotide variant.
Coding change: c.225C>T on transcript NM_001042631.3 (MANE Select); coding-DNA position 225, C replaced by T.
Protein change: p.Phe75=; no amino-acid change (phenylalanine 75 retained).
Molecular consequence: synonymous variant.
Genome position (GRCh38, 1-based): chr19:35,995,499, C>T. VCF-style: chr19-35995499-C-T. GRCh37 (hg19) VCF-style: chr19-36486401-C-T.
Identifiers: ClinVar variation 512768 (VCV000512768.41), dbSNP rs752619760, ClinGen allele CA9393688.
Genomic context (GRCh38, chr19:35,995,499, plus strand): 5'-CCGCGGGCGGCGCCAGCTGCAGCTGCTACGCTCGGGCCACGCCACCGCCATGGGCGCCTT[C>T]GTACGCCCGCGGGCCCCGACCGGGGAGCCTGGCGGCGTGGGTTGCCAGCCTGACGACGGC-3'
Protein context (NP_001036096.2, residues 65-85): RSGHATAMGA[Phe75=]VRPRAPTGEP